The following is an entry in ClinVar:

ClinVar aggregate classification (germline): Uncertain significance. Review status: criteria provided, multiple submitters, no conflicts (2 of 4 stars). 2 submissions from 2 submitters: Uncertain significance (2). Last evaluated 2025-02-20.

Allele frequency attached by ClinVar (database versions not stated): TOPMed 0.00002; gnomAD 0.00007.
gnomAD v4.1: 172 of 1,613,986 alleles (0.011%); highest among the groups gnomAD compares: South Asian, 0.18%; 2 homozygotes.

Submissions (2):

Ambry Genetics
Classification: Uncertain significance. Last evaluated: 2025-02-20. Review status: criteria provided, single submitter. Criteria: Ambry Variant Classification Scheme 2023. Collection method: clinical testing. Allele origin: germline.

Labcorp Genetics (formerly Invitae), Labcorp
Classification: Uncertain significance. Last evaluated: 2022-12-23. Review status: criteria provided, single submitter. Criteria: Invitae Variant Classification Sherloc (09022015). Collection method: clinical testing. Allele origin: germline.
Comment: This sequence change replaces threonine, which is neutral and polar, with asparagine, which is neutral and polar, at codon 3100 of the FAT2 protein (p.Thr3100Asn). This variant is present in population databases (rs754511766, gnomAD 0.2%), and has an allele count higher than expected for a pathogenic variant. This variant has not been reported in the literature in individuals affected with FAT2-related conditions. Advanced modeling of protein sequence and biophysical properties (such as structural, functional, and spatial information, amino acid conservation, physicochemical variation, residue mobility, and thermodynamic stability) performed at Invitae indicates that this missense variant is expected to disrupt FAT2 protein function. In summary, the available evidence is currently insufficient to determine the role of this variant in disease. Therefore, it has been classified as a Variant of Uncertain Significance.

NM_001447.3(FAT2):c.9299C>A (p.Thr3100Asn)

Genes: FAT2 (FAT atypical cadherin 2; minus strand), SLC36A1 (solute carrier family 36 member 1; plus strand). Cytogenetic location: 5q33.1.
Variant type: single nucleotide variant.
Coding change: c.9299C>A on transcript NM_001447.3 (MANE Select); coding-DNA position 9299, C replaced by A.
Protein change: p.Thr3100Asn; replaces threonine 3100 with asparagine.
Molecular consequence: missense variant.
Genome position (GRCh38, 1-based): chr5:151,534,537, G>T on the plus strand (C>A on the coding strand, the complement: FAT2 is on the minus strand). VCF-style: chr5-151534537-G-T. GRCh37 (hg19) VCF-style: chr5-150914098-G-T.
Other names: c.9299C>A (NM_001447.2); short protein forms T3100N.
Identifiers: ClinVar variation 2902852 (VCV002902852.4), dbSNP rs754511766, ClinGen allele CA3520593.